The following is an entry in ClinVar:

NM_000428.3(LTBP2):c.1972C>T (p.Arg658Trp)

Gene: LTBP2 (latent transforming growth factor beta binding protein 2; minus strand). Cytogenetic location: 14q24.3.
Variant type: single nucleotide variant.
Coding change: c.1972C>T on transcript NM_000428.3 (MANE Select); coding-DNA position 1972, C replaced by T.
Protein change: p.Arg658Trp; replaces arginine 658 with tryptophan.
Molecular consequence: missense variant.
Genome position (GRCh38, 1-based): chr14:74,532,441, G>A on the plus strand (C>T on the coding strand, the complement: LTBP2 is on the minus strand). VCF-style: chr14-74532441-G-A. GRCh37 (hg19) VCF-style: chr14-74999144-G-A.
Other names: short protein forms R658W.
Identifiers: ClinVar variation 885795 (VCV000885795.7), dbSNP rs180947562, ClinGen allele CA7269696.

ClinVar aggregate classification (germline): Uncertain significance. Review status: criteria provided, multiple submitters, no conflicts (2 of 4 stars). 3 submissions from 2 submitters: Uncertain significance (3). Last evaluated 2026-01-24.

Conditions:
Weill-Marchesani syndrome. Also called: WM Syndrome; Mesodermal dysmorphodystrophy congenital. Identifiers: Orphanet 3449, MedGen C0265313, MONDO:0018096.
Glaucoma 3, primary congenital, D. Identifiers: Orphanet 98976, MedGen C2751316, MONDO:0013122, OMIM 613086.

Allele frequency attached by ClinVar (database versions not stated): gnomAD 0.00003 and 0.00005; TOPMed 0.00006; 1000 Genomes Project 30x 0.00016; 1000 Genomes Project 0.00020.
gnomAD v4.1: 57 of 1,614,058 alleles (0.0035%); highest among the groups gnomAD compares: East Asian, 0.053%; no homozygotes.

Submissions (3):

Labcorp Genetics (formerly Invitae), Labcorp
Classification: Uncertain significance. Last evaluated: 2026-01-24. Review status: criteria provided, single submitter. Criteria: Invitae Variant Classification Sherloc (09022015). Collection method: clinical testing. Allele origin: germline.
Comment: This sequence change replaces arginine, which is basic and polar, with tryptophan, which is neutral and slightly polar, at codon 658 of the LTBP2 protein (p.Arg658Trp). This variant is present in population databases (rs180947562, gnomAD 0.06%). This variant has not been reported in the literature in individuals affected with LTBP2-related conditions. ClinVar contains an entry for this variant (Variation ID: 885795). An algorithm developed to predict the effect of missense changes on protein structure and function (PolyPhen-2) suggests that this variant is likely to be disruptive. In summary, the available evidence is currently insufficient to determine the role of this variant in disease. Therefore, it has been classified as a Variant of Uncertain Significance.

Illumina Laboratory Services, Illumina
Classification: Uncertain significance for Glaucoma 3, primary congenital, D. Last evaluated: 2018-01-13. Review status: criteria provided, single submitter. Criteria: ICSL Variant Classification Criteria 13 December 2019. Collection method: clinical testing. Allele origin: germline.

Illumina Laboratory Services, Illumina
Classification: Uncertain significance for Weill-Marchesani syndrome. Last evaluated: 2018-01-13. Review status: criteria provided, single submitter. Criteria: ICSL Variant Classification Criteria 13 December 2019. Collection method: clinical testing. Allele origin: germline.